The following is an entry in ClinVar:

ClinVar aggregate classification (germline): Uncertain significance (1 of 4 stars; one submission).

Conditions:
Fanconi anemia (FA). Also called: Fanconi's anemia. Identifiers: Orphanet 84, MedGen C0015625, MeSH D005199, MONDO:0019391.

Submission:

Labcorp Genetics (formerly Invitae), Labcorp
Classification: Uncertain significance for Fanconi anemia. Last evaluated: 2022-10-17. Review status: criteria provided, single submitter. Criteria: Invitae Variant Classification Sherloc (09022015). Collection method: clinical testing. Allele origin: germline.
Comment: This variant has not been reported in the literature in individuals affected with FANCI-related conditions. ClinVar contains an entry for this variant (Variation ID: 1366167). Algorithms developed to predict the effect of missense changes on protein structure and function (SIFT, PolyPhen-2, Align-GVGD) all suggest that this variant is likely to be tolerated. In summary, the available evidence is currently insufficient to determine the role of this variant in disease. Therefore, it has been classified as a Variant of Uncertain Significance. This sequence change replaces proline, which is neutral and non-polar, with threonine, which is neutral and polar, at codon 408 of the FANCI protein (p.Pro408Thr). This variant is not present in population databases (gnomAD no frequency).

NM_001113378.2(FANCI):c.1222C>A (p.Pro408Thr)

Gene: FANCI (FA complementation group I; plus strand). Cytogenetic location: 15q26.1.
Variant type: single nucleotide variant.
Coding change: c.1222C>A on transcript NM_001113378.2 (MANE Select); coding-DNA position 1222, C replaced by A.
Protein change: p.Pro408Thr; replaces proline 408 with threonine.
Molecular consequence: missense variant.
Genome position (GRCh38, 1-based): chr15:89,276,820, C>A. VCF-style: chr15-89276820-C-A. GRCh37 (hg19) VCF-style: chr15-89820051-C-A.
Other names: c.943C>A, p.Pro315Thr (NM_001376910.1); c.1222C>A, p.Pro408Thr (NM_001376911.1, NM_018193.3); short protein forms P315T, P408T.
Identifiers: ClinVar variation 1366167 (VCV001366167.8), dbSNP rs1281730489, ClinGen allele CA393742330.